The following is an entry in ClinVar:

ClinVar aggregate classification (germline): Uncertain significance. Review status: criteria provided, multiple submitters, no conflicts (2 of 4 stars). 5 submissions from 5 submitters: Uncertain significance (4). 1 of the submissions does not count toward it. Last evaluated 2022-10-04.

Conditions:
Microcephaly, normal intelligence and immunodeficiency (NBS). Also called: BERLIN BREAKAGE SYNDROME; SEEMANOVA SYNDROME II; Immunodeficiency, microcephaly with normal intelligence; Nijmegen breakage syndrome; Microcephaly with normal intelligence immunodeficiency and lymphoreticular malignancies; Nonsyndromal microcephaly autosomal recessive with normal intelligence. Identifiers: Orphanet 647, MedGen C0398791, MONDO:0009623, OMIM 251260.
Hereditary cancer-predisposing syndrome. Also called: Hereditary neoplastic syndrome; Hereditary Cancer Syndrome; Neoplastic Syndromes, Hereditary; Tumor predisposition. Identifiers: Orphanet 140162, MedGen C0027672, MeSH D009386, MONDO:0015356.

Allele frequency attached by ClinVar (database versions not stated): gnomAD 0.00001; gnomAD exomes 0.00001 and 0.00002; ExAC 0.00004.
gnomAD v4.1: 9 of 1,612,054 alleles (0.00056%); highest among the groups gnomAD compares: South Asian, 0.0066%; no homozygotes.

Submissions (5):

Labcorp Genetics (formerly Invitae), Labcorp
Classification: Uncertain significance for Microcephaly, normal intelligence and immunodeficiency. Last evaluated: 2022-10-04. Review status: criteria provided, single submitter. Criteria: Invitae Variant Classification Sherloc (09022015). Collection method: clinical testing. Allele origin: germline.
Comment: This sequence change replaces isoleucine, which is neutral and non-polar, with threonine, which is neutral and polar, at codon 108 of the NBN protein (p.Ile108Thr). This variant is present in population databases (rs775217949, gnomAD 0.02%). This variant has not been reported in the literature in individuals affected with NBN-related conditions. ClinVar contains an entry for this variant (Variation ID: 419525). Algorithms developed to predict the effect of missense changes on protein structure and function are either unavailable or do not agree on the potential impact of this missense change (SIFT: "Deleterious"; PolyPhen-2: "Benign"; Align-GVGD: "Class C0"). In summary, the available evidence is currently insufficient to determine the role of this variant in disease. Therefore, it has been classified as a Variant of Uncertain Significance.

Ambry Genetics
Classification: Uncertain significance for Hereditary cancer-predisposing syndrome. Last evaluated: 2021-12-09. Review status: criteria provided, single submitter. Criteria: Ambry Variant Classification Scheme 2023. Collection method: clinical testing. Allele origin: germline.
Comment: The p.I108T variant (also known as c.323T>C), located in coding exon 4 of the NBN gene, results from a T to C substitution at nucleotide position 323. The isoleucine at codon 108 is replaced by threonine, an amino acid with similar properties. This amino acid position is poorly conserved in available vertebrate species. In addition, the in silico prediction for this alteration is inconclusive. Since supporting evidence is limited at this time, the clinical significance of this alteration remains unclear.

Genome-Nilou Lab
Classification: Uncertain significance for Microcephaly, normal intelligence and immunodeficiency. Last evaluated: 2021-11-07. Review status: criteria provided, single submitter. Criteria: ACMG Guidelines, 2015. Collection method: clinical testing. Allele origin: germline. Affected: no.

GeneDx
Classification: Uncertain significance. Last evaluated: 2015-07-21. Review status: criteria provided, single submitter. Criteria: GeneDx Variant Classification (06012015). Collection method: clinical testing. Allele origin: germline. Affected: yes.
Comment: This variant is denoted NBN c.323T>C at the cDNA level, p.Ile108Thr (I108T) at the protein level, and results in the change of an Isoleucine to a Threonine (ATA>ACA). This variant has not, to our knowledge, been published in the literature as pathogenic or benign. NBN Ile108Thr was not observed in approximately 6,500 individuals of European and African American ancestry in the NHLBI Exome Sequencing Project, indicating it is not a common benign variant in these populations. Since Isoleucine and Threonine differ in polarity, charge, size or other properties, this is considered a non-conservative amino acid substitution. NBN Ile108Thr occurs at a position where amino acids with properties similar to Isoleucine are tolerated across species and is located in the BRCT domain (Uniprot). In silico analyses are inconsistent regarding the effect this variant may have on protein structure and function. Based on currently available information, it is unclear whether NBN Ile108Thr is pathogenic or benign. We consider it to be a variant of uncertain significance.

Natera, Inc.
Classification: Uncertain significance for Nijmegen breakage syndrome. Last evaluated: 2020-03-17. Review status: no assertion criteria provided. Collection method: clinical testing. Allele origin: germline. Not counted in ClinVar's aggregate classification.

NM_002485.5(NBN):c.323T>C (p.Ile108Thr)

Gene: NBN (nibrin; minus strand). Cytogenetic location: 8q21.3.
Variant type: single nucleotide variant.
Coding change: c.323T>C on transcript NM_002485.5 (MANE Select); coding-DNA position 323, T replaced by C.
Protein change: p.Ile108Thr; replaces isoleucine 108 with threonine.
Molecular consequence: missense variant.
Genome position (GRCh38, 1-based): chr8:89,980,891, A>G on the plus strand (T>C on the coding strand, the complement: NBN is on the minus strand). VCF-style: chr8-89980891-A-G. GRCh37 (hg19) VCF-style: chr8-90993119-A-G.
Other names: c.77T>C, p.Ile26Thr (NM_001024688.3); short protein forms I108T, I26T.
Identifiers: ClinVar variation 419525 (VCV000419525.22), dbSNP rs775217949, ClinGen allele CA4802997.